The following is an entry in ClinVar:

NM_000214.3(JAG1):c.3586T>G (p.Trp1196Gly)

Gene: JAG1 (jagged canonical Notch ligand 1; minus strand). Cytogenetic location: 20p12.2.
Variant type: single nucleotide variant.
Coding change: c.3586T>G on transcript NM_000214.3 (MANE Select); coding-DNA position 3586, T replaced by G.
Protein change: p.Trp1196Gly; replaces tryptophan 1196 with glycine.
Molecular consequence: missense variant.
Genome position (GRCh38, 1-based): chr20:10,639,569, A>C on the plus strand (T>G on the coding strand, the complement: JAG1 is on the minus strand). VCF-style: chr20-10639569-A-C. GRCh37 (hg19) VCF-style: chr20-10620217-A-C.
Other names: short protein forms W1196G.
Identifiers: ClinVar variation 2870348 (VCV002870348.3), dbSNP rs2514506148, ClinGen allele CA408242415.
Genomic context (GRCh38, chr20:10,639,569, plus strand): 5'-ACTCCATTCGGTTTAAGCTCTGGGCACTTTCCAAGTCTCTGTTGTCCTGTTTGTTTGTCC[A>C]GTTTGGGTGTTTTGTCGGCGTGCCGTTGGGGGGCTTCTCTTCTCTGTCTACCAGCGTGTA-3'
Protein context (NP_000205.1, residues 1186-1206): PNGTPTKHPN[Trp1196Gly]TNKQDNRDLE

ClinVar aggregate classification (germline): Uncertain significance (1 of 4 stars; one submission).

Conditions:
Alagille syndrome due to a JAG1 point mutation. Also called: HEPATIC DUCTULAR HYPOPLASIA, SYNDROMATIC; JAG1-Related Alagille Syndrome; Alagille Syndrome 1. Identifiers: Orphanet 261619, Orphanet 52, MedGen C1956125, MONDO:0016862, OMIM 118450.

gnomAD v4.1: 2 of 1,614,130 alleles (0.00012%); highest among the groups gnomAD compares: Admixed American, 0.0017%; no homozygotes.

Submission:

Labcorp Genetics (formerly Invitae), Labcorp
Classification: Uncertain significance for Alagille syndrome due to a JAG1 point mutation. Last evaluated: 2025-03-31. Review status: criteria provided, single submitter. Criteria: Invitae Variant Classification Sherloc (09022015). Collection method: clinical testing. Allele origin: germline.
Comment: This sequence change replaces tryptophan, which is neutral and slightly polar, with glycine, which is neutral and non-polar, at codon 1196 of the JAG1 protein (p.Trp1196Gly). This variant is not present in population databases (gnomAD no frequency). This variant has not been reported in the literature in individuals affected with JAG1-related conditions. ClinVar contains an entry for this variant (Variation ID: 2870348). Invitae Evidence Modeling of protein sequence and biophysical properties (such as structural, functional, and spatial information, amino acid conservation, physicochemical variation, residue mobility, and thermodynamic stability) indicates that this missense variant is not expected to disrupt JAG1 protein function with a negative predictive value of 95%. In summary, the available evidence is currently insufficient to determine the role of this variant in disease. Therefore, it has been classified as a Variant of Uncertain Significance.